The following is an entry in ClinVar:

NM_000059.4(BRCA2):c.8882G>C (p.Gly2961Ala)

Gene: BRCA2 (BRCA2 DNA repair associated; plus strand). Cytogenetic location: 13q13.1.
Variant type: single nucleotide variant.
Coding change: c.8882G>C on transcript NM_000059.4 (MANE Select); coding-DNA position 8882, G replaced by C.
Protein change: p.Gly2961Ala; replaces glycine 2961 with alanine.
Molecular consequence: missense variant. On other transcripts: non-coding transcript variant (1).
Genome position (GRCh38, 1-based): chr13:32,379,444, G>C. VCF-style: chr13-32379444-G-C. GRCh37 (hg19) VCF-style: chr13-32953581-G-C.
Other names: c.8786G>C, p.Gly2929Ala (NM_001406719.1); c.8882G>C, p.Gly2961Ala (NM_001406720.1, NM_001432077.1); c.3950G>C, p.Gly1317Ala (NM_001406721.1); c.2465G>C, p.Gly822Ala (NM_001406722.1); short protein forms G1317A, G2929A, G2961A, G822A.
Identifiers: ClinVar variation 4802357 (VCV004802357.1).

ClinVar aggregate classification (germline): Uncertain significance (1 of 4 stars; one submission).

Conditions:
Hereditary breast ovarian cancer syndrome. Also called: Hereditary breast and ovarian cancer syndrome (HBOC); Hereditary breast and ovarian cancer; Breast and ovarian cancer; Hereditary breast and/or ovarian cancer syndrome; BRCA1- and BRCA2-Associated Hereditary Breast and Ovarian Cancer; Hereditary breast and ovarian cancer syndrome. Identifiers: Orphanet 145, MedGen C0677776, MeSH D061325, MONDO:0003582. Disease mechanism: loss of function.

Submission:

Labcorp Genetics (formerly Invitae), Labcorp
Classification: Uncertain significance for Hereditary breast ovarian cancer syndrome. Last evaluated: 2025-12-08. Review status: criteria provided, single submitter. Criteria: Invitae Variant Classification Sherloc (09022015). Collection method: clinical testing. Allele origin: germline.
Comment: This sequence change replaces glycine, which is neutral and non-polar, with alanine, which is neutral and non-polar, at codon 2961 of the BRCA2 protein (p.Gly2961Ala). This variant is not present in population databases (gnomAD no frequency). This variant has not been reported in the literature in individuals affected with BRCA2-related conditions. Invitae Evidence Modeling of protein sequence and biophysical properties (such as structural, functional, and spatial information, amino acid conservation, physicochemical variation, residue mobility, and thermodynamic stability) indicates that this missense variant is not expected to disrupt BRCA2 protein function with a negative predictive value of 95%. In summary, the available evidence is currently insufficient to determine the role of this variant in disease. Therefore, it has been classified as a Variant of Uncertain Significance.